The following is an entry in ClinVar:

ClinVar aggregate classification (germline): Likely benign (1 of 4 stars; one submission).

Submission:

CeGaT Center for Human Genetics Tuebingen
Classification: Likely benign. Last evaluated: 2025-02-01. Review status: criteria provided, single submitter. Criteria: CeGaT Center For Human Genetics Tuebingen Variant Classification Criteria Version 2. Collection method: clinical testing. Allele origin: germline. Affected: yes. Observed: 1 variant allele.
Comment: DENND5B: PM2:Supporting, BP4, BP7

NM_144973.4(DENND5B):c.2310C>G (p.Thr770=)

Gene: DENND5B (DENN domain containing 5B; minus strand). Cytogenetic location: 12p11.21.
Variant type: single nucleotide variant.
Coding change: c.2310C>G on transcript NM_144973.4 (MANE Select); coding-DNA position 2310, C replaced by G.
Protein change: p.Thr770=; no amino-acid change (threonine 770 retained).
Molecular consequence: synonymous variant.
Genome position (GRCh38, 1-based): chr12:31,424,616, G>C on the plus strand (C>G on the coding strand, the complement: DENND5B is on the minus strand). VCF-style: chr12-31424616-G-C. GRCh37 (hg19) VCF-style: chr12-31577550-G-C.
Other names: c.2415C>G, p.Thr805= (NM_001308339.2).
Identifiers: ClinVar variation 3771797 (VCV003771797.13).